The following is an entry in ClinVar:

NM_024577.4(SH3TC2):c.2128C>T (p.Gln710Ter)

Gene: SH3TC2 (SH3 domain and tetratricopeptide repeats 2; minus strand). Cytogenetic location: 5q32.
Variant type: single nucleotide variant.
Coding change: c.2128C>T on transcript NM_024577.4 (MANE Select); coding-DNA position 2128, C replaced by T.
Protein change: p.Gln710Ter; replaces glutamine 710 with a stop codon.
Molecular consequence: nonsense.
Genome position (GRCh38, 1-based): chr5:149,027,604, G>A on the plus strand (C>T on the coding strand, the complement: SH3TC2 is on the minus strand). VCF-style: chr5-149027604-G-A. GRCh37 (hg19) VCF-style: chr5-148407167-G-A.
Other names: short protein forms Q710*.
Identifiers: ClinVar variation 488926 (VCV000488926.8), dbSNP rs753287764, ClinGen allele CA3499055.

ClinVar aggregate classification (germline): Pathogenic. Review status: criteria provided, multiple submitters, no conflicts (2 of 4 stars). 5 submissions from 5 submitters: Pathogenic (5). Last evaluated 2026-06-11.

Conditions:
SH3TC2-related disorder. Also called: SH3TC2-related condition; SH3TC2-related disorders. Identifiers: MedGen CN239303.
Charcot-Marie-Tooth disease type 4C (CMT4C). Also called: SH3TC2-Related Hereditary Motor and Sensory Neuropathy; CHARCOT-MARIE-TOOTH DISEASE, DEMYELINATING, AUTOSOMAL RECESSIVE, TYPE 4C; CMT 4C; Charcot-Marie-Tooth Neuropathy Type 4C (CMT4C); CHARCOT-MARIE-TOOTH DISEASE, DEMYELINATING, TYPE 4C. Identifiers: Orphanet 99949, MedGen C1866636, MONDO:0011113, OMIM 601596.
Susceptibility to mononeuropathy of the median nerve, mild. Also called: CARPAL TUNNEL SYNDROME, SUSCEPTIBILITY TO. Identifiers: MedGen C3150596, MONDO:0013237, OMIM 613353.
Charcot-Marie-Tooth disease type 4. Also called: Charcot-Marie-Tooth disease, type IV; Charcot-Marie-Tooth, Type 4. Identifiers: Orphanet 64749, MedGen C4082197, MONDO:0018995.

Allele frequency attached by ClinVar (database versions not stated): gnomAD exomes below 0.00001 and 0.00001; TOPMed below 0.00001; ExAC 0.00001; gnomAD 0.00001.
gnomAD v4.1: 3 of 1,614,152 alleles (0.00019%); highest among the groups gnomAD compares: Non-Finnish European, 0.00025%; no homozygotes.

Submissions (5):

Women's Health and Genetics/Laboratory Corporation of America, LabCorp
Classification: Pathogenic for Charcot-Marie-Tooth disease type 4C. Last evaluated: 2026-06-11. Review status: criteria provided, single submitter. Criteria: LabCorp Variant Classification Summary - May 2015. Collection method: clinical testing. Allele origin: germline.
Comment: Variant summary: SH3TC2 c.2128C>T (p.Gln710X) results in a premature termination codon, predicted to cause a truncation of the encoded protein or absence of the protein due to nonsense mediated decay, which are commonly known mechanisms for disease. The variant allele was found at a frequency of 1.2e-05 in 251492 control chromosomes. c.2128C>T has been observed in at least 1 presumed compound heterozygous individual(s) affected with SH3TC2-related Charcot-Marie-Tooth disease (example, Rehbein_2023). These report(s) do not provide unequivocal conclusions about association of the variant with disease. To our knowledge, no experimental evidence demonstrating an impact on protein function has been reported. The following publication has been ascertained in the context of this evaluation (PMID: 36947133). ClinVar contains an entry for this variant (Variation ID: 488926). Based on the evidence outlined above, the variant was classified as pathogenic.

PreventionGenetics, part of Exact Sciences
Classification: Pathogenic for SH3TC2-related condition. Last evaluated: 2025-07-16. Review status: criteria provided, single submitter. Criteria: ACMG Guidelines, 2015. Collection method: clinical testing. Allele origin: germline.
Comment: The SH3TC2 c.2128C>T variant is predicted to result in premature protein termination (p.Gln710*). This variant has been reported with a second SH3TC2 variant in individuals with Charcot-Marie-Tooth disease (Supp. Table 2, Cortese et al. 2020. PubMed ID: 31827005; Supp. Table 1, Rehbein et al. 2023. PubMed ID: 36947133). This variant is reported in 0.0026% of alleles in individuals of European (non-Finnish) descent in gnomAD. Nonsense variants in SH3TC2 are expected to be pathogenic. This variant is interpreted as pathogenic for autosomal recessive SH3TC2-related disorders.

Labcorp Genetics (formerly Invitae), Labcorp
Classification: Pathogenic for Charcot-Marie-Tooth disease type 4. Last evaluated: 2024-10-30. Review status: criteria provided, single submitter. Criteria: Invitae Variant Classification Sherloc (09022015). Collection method: clinical testing. Allele origin: germline.
Comment: This sequence change creates a premature translational stop signal (p.Gln710*) in the SH3TC2 gene. It is expected to result in an absent or disrupted protein product. Loss-of-function variants in SH3TC2 are known to be pathogenic (PMID: 20220177, 27068304). This variant is present in population databases (rs753287764, gnomAD 0.003%). This premature translational stop signal has been observed in individual(s) with Charcot-Marie-Tooth disease (PMID: 31827005). ClinVar contains an entry for this variant (Variation ID: 488926). Algorithms developed to predict the effect of sequence changes on RNA splicing suggest that this variant may create or strengthen a splice site. For these reasons, this variant has been classified as Pathogenic.

Fulgent Genetics
Classification: Pathogenic for Charcot-Marie-Tooth disease type 4C; Susceptibility to mononeuropathy of the median nerve, mild. Last evaluated: 2024-03-27. Review status: criteria provided, single submitter. Criteria: ACMG Guidelines, 2015. Collection method: clinical testing. Allele origin: germline.

GeneDx
Classification: Pathogenic. Last evaluated: 2017-12-07. Review status: criteria provided, single submitter. Criteria: GeneDx Variant Classification (06012015). Collection method: clinical testing. Allele origin: germline. Affected: yes.
Comment: The Q710X nonsense variant in the SH3TC2 gene has been previously reported in an individual with CMT4 who harbored a pathogenic variant on the opposite SH3TC2 allele (in trans) (Jerath et al., 2017). The Q710X nonsense variant in the SH3TC2 gene is predicted to cause loss of normal protein function either through protein truncation or nonsense-mediated mRNA decay. This variant is not observed at a significant frequency in large population cohorts (Lek et al., 2016).

Literature cited by the submitters: PubMed 36947133 (cited by Women's Health and Genetics/Laboratory Corporation of America, LabCorp); PubMed 20220177 (cited by Labcorp Genetics (formerly Invitae), Labcorp); PubMed 27068304 (cited by Labcorp Genetics (formerly Invitae), Labcorp); PubMed 31827005 (cited by Labcorp Genetics (formerly Invitae), Labcorp).